The following is an entry in ClinVar:

ClinVar aggregate classification (germline): Benign/Likely benign. Review status: criteria provided, multiple submitters, no conflicts (2 of 4 stars). 5 submissions from 5 submitters: Benign (3); Likely benign (2). Last evaluated 2026-01-18.

Conditions:
Noonan syndrome and Noonan-related syndrome. Identifiers: Orphanet 98733, MedGen C5681679, MONDO:0020297.
RASopathy. Also called: rasopathies; Noonan spectrum disorder. Identifiers: Orphanet 536391, MedGen C5555857, MONDO:0021060.

Allele frequency attached by ClinVar (database versions not stated): gnomAD 0.00005 and 0.00006; TOPMed 0.00005; ExAC 0.00010; gnomAD exomes 0.00014; 1000 Genomes Project 0.00020; 1000 Genomes Project 30x 0.00047.
gnomAD v4.1: 136 of 1,550,918 alleles (0.0088%); highest among the groups gnomAD compares: East Asian, 0.3%; 1 homozygote.

Submissions (5):

Labcorp Genetics (formerly Invitae), Labcorp
Classification: Likely benign for RASopathy. Last evaluated: 2026-01-18. Review status: criteria provided, single submitter. Criteria: Invitae Variant Classification Sherloc (09022015). Collection method: clinical testing. Allele origin: germline.

Blueprint Genetics
Classification: Likely benign. Last evaluated: 2023-11-15. Review status: criteria provided, single submitter. Criteria: ACMG Guidelines, 2015. Collection method: clinical testing. Allele origin: germline.

Genome Diagnostics Laboratory, The Hospital for Sick Children
Classification: Benign for Noonan syndrome and Noonan-related syndrome. Last evaluated: 2020-07-21. Review status: criteria provided, single submitter. Criteria: ACMG Guidelines, 2015. Collection method: clinical testing. Allele origin: germline.

Women's Health and Genetics/Laboratory Corporation of America, LabCorp
Classification: Benign. Last evaluated: 2018-03-06. Review status: criteria provided, single submitter. Criteria: LabCorp Variant Classification Summary - May 2015. Collection method: clinical testing. Allele origin: germline.
Comment: Variant summary: MAP2K2 c.1198G>A (p.Val400Met) results in a conservative amino acid change in the encoded protein sequence. Four of five in-silico tools predict a benign effect of the variant on protein function. The variant was observed with an allele frequency of 0.00012 in 180510 control chromosomes (gnomAD). The observed variant frequency within East Asian control individuals in the gnomAD database is approximately 680 fold of the estimated maximal expected allele frequency for a pathogenic variant in MAP2K2 causing Noonan Syndrome and Related Conditions phenotype (2.5e-06), strongly suggesting that the variant is a benign polymorphism found primarily in populations of East Asian origin. To our knowledge, no occurrence of c.1198G>A in individuals affected with Noonan Syndrome and Related Conditions and no experimental evidence demonstrating its impact on protein function have been reported. No clinical diagnostic laboratories have submitted clinical-significance assessments for this variant to ClinVar after 2014. Based on the evidence outlined above, the variant was classified as benign.

GeneDx
Classification: Benign. Last evaluated: 2015-03-03. Review status: criteria provided, single submitter. Criteria: GeneDx Variant Classification Process June 2021. Collection method: clinical testing. Allele origin: germline. Affected: yes.

NM_030662.4(MAP2K2):c.1198G>A (p.Val400Met)

Gene: MAP2K2 (mitogen-activated protein kinase kinase 2; minus strand). Cytogenetic location: 19p13.3.
Variant type: single nucleotide variant.
Coding change: c.1198G>A on transcript NM_030662.4 (MANE Select); coding-DNA position 1198, G replaced by A.
Protein change: p.Val400Met; replaces valine 400 with methionine.
Molecular consequence: missense variant.
Genome position (GRCh38, 1-based): chr19:4,090,603, C>T on the plus strand (G>A on the coding strand, the complement: MAP2K2 is on the minus strand). VCF-style: chr19-4090603-C-T. GRCh37 (hg19) VCF-style: chr19-4090601-C-T.
Other names: short protein forms V400M.
Identifiers: ClinVar variation 40847 (VCV000040847.19), dbSNP rs533247725, ClinGen allele CA9090680.
Genomic context (GRCh38, chr19:4,090,603, plus strand): 5'-CATGGACAGGGACGGTGGGCAGGTCACCAGCGGGACGCAGGGAGCCCGGCCACTGTCACA[C>T]GGCGGTGCGCGTGGGTGTGCCGGGCTGGTTCAGCCGCAGGGTTTTACACAACCAGCCGGC-3'
Protein context (NP_109587.1, residues 390-400): NQPGTPTRTA[Val400Met]